The following is an entry in ClinVar:

NC_000017.10:g.(41228632_41234420)_(41276114_?)del

Genes: BRCA1 (BRCA1 DNA repair associated; minus strand), LOC110485084 (BRCA1 intronic recombination region; plus strand), LOC111589216 (BRCA1 intron 2 regulatory region; plus strand), LOC126862571 (BRD4-independent group 4 enhancer GRCh37_chr17:41243136-41244335; plus strand). Cytogenetic location: 17q21.31.
Variant type: Deletion.
Identifiers: ClinVar variation 440442 (VCV000440442.1).

ClinVar aggregate classification (germline): Pathogenic (1 of 4 stars; one submission).

Conditions:
Breast-ovarian cancer, familial, susceptibility to, 1 (BROVCA1). Also called: BRCA1 Hereditary Breast and Ovarian Cancer; OVARIAN CANCER, SUSCEPTIBILITY TO. Identifiers: Orphanet 145, MedGen C2676676, MONDO:0011450, OMIM 604370. Disease mechanism: loss of function.

Submission:

Department of Medical Genetics, Oslo University Hospital
Classification: Pathogenic for Breast-ovarian cancer, familial, susceptibility to, 1. Last evaluated: 2016-05-23. Review status: criteria provided, single submitter. Criteria: ACMG Guidelines, 2015. Collection method: clinical testing. Allele origin: germline. Affected: yes. Observed: 5 variant alleles.
Comment: Heterozygous deletion of exon 1-12 (also known as exon 1-13)